The following is an entry in ClinVar:

NM_000388.4(CASR):c.672G>C (p.Glu224Asp)

Gene: CASR (calcium sensing receptor; plus strand). Cytogenetic location: 3q21.1.
Variant type: single nucleotide variant.
Coding change: c.672G>C on transcript NM_000388.4 (MANE Select); coding-DNA position 672, G replaced by C.
Protein change: p.Glu224Asp; replaces glutamic acid 224 with aspartic acid.
Molecular consequence: missense variant.
Genome position (GRCh38, 1-based): chr3:122,261,707, G>C. VCF-style: chr3-122261707-G-C. GRCh37 (hg19) VCF-style: chr3-121980554-G-C.
Other names: c.672G>C, p.Glu224Asp (NM_001178065.2); short protein forms E224D.
Identifiers: ClinVar variation 2933366 (VCV002933366.3), dbSNP rs2473225975, ClinGen allele CA354151094.
Genomic context (GRCh38, chr3:122,261,707, plus strand): 5'-CCGCTGGAACTGGGTGGGCACAATTGCAGCTGATGACGACTATGGGCGGCCGGGGATTGA[G>C]AAATTCCGAGAGGAAGCTGAGGAAAGGGATATCTGCATCGACTTCAGTGAACTCATCTCC-3'
Protein context (NP_000379.3, residues 214-234): ADDDYGRPGI[Glu224Asp]KFREEAEERD

ClinVar aggregate classification (germline): Uncertain significance (1 of 4 stars; one submission).

Conditions:
Autosomal dominant hypocalcemia 1 (HYPOC1). Also called: HYPOCALCEMIA, FAMILIAL. Identifiers: MedGen C3715128, MONDO:0011013, OMIM 601198.
Familial hypocalciuric hypercalcemia (FHH). Also called: Familial benign hypercalcemia. Identifiers: Orphanet 405, MedGen C1809471, MONDO:0018458.

Submission:

Labcorp Genetics (formerly Invitae), Labcorp
Classification: Uncertain significance for Familial hypocalciuric hypercalcemia; Autosomal dominant hypocalcemia 1. Last evaluated: 2023-10-20. Review status: criteria provided, single submitter. Criteria: Invitae Variant Classification Sherloc (09022015). Collection method: clinical testing. Allele origin: germline.
Comment: This sequence change replaces glutamic acid, which is acidic and polar, with aspartic acid, which is acidic and polar, at codon 224 of the CASR protein (p.Glu224Asp). This variant is not present in population databases (gnomAD no frequency). This variant has not been reported in the literature in individuals affected with CASR-related conditions. An algorithm developed to predict the effect of missense changes on protein structure and function (PolyPhen-2) suggests that this variant is likely to be tolerated. In summary, the available evidence is currently insufficient to determine the role of this variant in disease. Therefore, it has been classified as a Variant of Uncertain Significance.